The following is an entry in ClinVar:

ClinVar aggregate classification (germline): Uncertain significance (1 of 4 stars; one submission).

Submission:

GeneDx
Classification: Uncertain significance. Last evaluated: 2024-03-25. Review status: criteria provided, single submitter. Criteria: GeneDx Variant Classification Process June 2021. Collection method: clinical testing. Allele origin: germline. Affected: yes.
Comment: Not observed at significant frequency in large population cohorts (gnomAD); Missense variants in this gene are a common cause of disease and they are underrepresented in the general population; In silico analysis supports that this missense variant has a deleterious effect on protein structure/function; Has not been previously published as pathogenic or benign to our knowledge

NM_058246.4(DNAJB6):c.106C>T (p.Pro36Ser)

Gene: DNAJB6 (DnaJ heat shock protein family (Hsp40) member B6; plus strand). Cytogenetic location: 7q36.3.
Variant type: single nucleotide variant.
Coding change: c.106C>T on transcript NM_058246.4 (MANE Select); coding-DNA position 106, C replaced by T.
Protein change: p.Pro36Ser; replaces proline 36 with serine.
Molecular consequence: missense variant.
Genome position (GRCh38, 1-based): chr7:157,363,201, C>T. VCF-style: chr7-157363201-C-T. GRCh37 (hg19) VCF-style: chr7-157155895-C-T.
Other names: c.106C>T, p.Pro36Ser (NM_001363676.1, NM_005494.3); short protein forms P36S.
Identifiers: ClinVar variation 3371152 (VCV003371152.1).